The following is an entry in ClinVar:

NM_002691.4(POLD1):c.179C>G (p.Ser60Ter)

Gene: POLD1 (DNA polymerase delta 1, catalytic subunit; plus strand). Cytogenetic location: 19q13.33.
Variant type: single nucleotide variant.
Coding change: c.179C>G on transcript NM_002691.4 (MANE Select); coding-DNA position 179, C replaced by G.
Protein change: p.Ser60Ter; replaces serine 60 with a stop codon.
Molecular consequence: nonsense. On other transcripts: non-coding transcript variant (1).
Genome position (GRCh38, 1-based): chr19:50,399,030, C>G. VCF-style: chr19-50399030-C-G. GRCh37 (hg19) VCF-style: chr19-50902287-C-G.
Other names: c.179C>G, p.Ser60Ter (NM_001256849.1, NM_001308632.1); c.179C>G (NM_002691.2); short protein forms S60*.
Identifiers: ClinVar variation 856974 (VCV000856974.10), dbSNP rs2038482013, ClinGen allele CA406970322.

ClinVar aggregate classification (germline): Uncertain significance. Review status: criteria provided, multiple submitters, no conflicts (2 of 4 stars). 2 submissions from 2 submitters: Uncertain significance (2). Last evaluated 2025-05-20.

Conditions:
POLD1-related polyposis and colorectal cancer syndrome (CRCS10). Also called: Colorectal cancer 10; COLORECTAL CANCER, SUSCEPTIBILITY TO, ON CHROMOSOME 19q; Colorectal cancer, susceptibility to, 10. Identifiers: Orphanet 220460, MedGen C2675481, MONDO:0012953, OMIM 612591.
Hereditary cancer-predisposing syndrome. Also called: Tumor predisposition; Hereditary Cancer Syndrome; Hereditary neoplastic syndrome; Neoplastic Syndromes, Hereditary. Identifiers: Orphanet 140162, MedGen C0027672, MeSH D009386, MONDO:0015356.

gnomAD v4.1: 2 of 1,556,440 alleles (0.00013%); highest among the groups gnomAD compares: Non-Finnish European, 0.000087%; no homozygotes.

Submissions (2):

Ambry Genetics
Classification: Uncertain significance for Hereditary cancer-predisposing syndrome. Last evaluated: 2025-05-20. Review status: criteria provided, single submitter. Criteria: Ambry Variant Classification Scheme 2023. Collection method: clinical testing. Allele origin: germline.
Comment: The p.S60* variant (also known as c.179C>G), located in coding exon 1 of the POLD1 gene, results from a C to G substitution at nucleotide position 179. This changes the amino acid from a serine to a stop codon within coding exon 1. This alteration is expected to result in loss of function by premature protein truncation or nonsense-mediated mRNA decay. However, loss of function of POLD1 has not been established as a mechanism of disease. Based on the available evidence, the clinical significance of this variant remains unclear.

Labcorp Genetics (formerly Invitae), Labcorp
Classification: Uncertain significance for POLD1-related polyposis and colorectal cancer syndrome. Last evaluated: 2022-12-30. Review status: criteria provided, single submitter. Criteria: Invitae Variant Classification Sherloc (09022015). Collection method: clinical testing. Allele origin: germline.
Comment: ClinVar contains an entry for this variant (Variation ID: 856974). In summary, the available evidence is currently insufficient to determine the role of this variant in disease. Therefore, it has been classified as a Variant of Uncertain Significance. Algorithms developed to predict the effect of sequence changes on RNA splicing suggest that this variant may create or strengthen a splice site. This variant has not been reported in the literature in individuals affected with POLD1-related conditions. This variant is not present in population databases (gnomAD no frequency). This sequence change creates a premature translational stop signal (p.Ser60*) in the POLD1 gene. Missense variants that disrupt the 3'-5' exonuclease (proof-reading) activity of the POLD1 protein are associated with PPAP (polymerase proofreading–associated polyposis) (PMID: 23263490, 23447401). However, loss-of-function variants that result in an absent or severely disrupted POLD1 protein, and missense variants outside the exonuclease domain, are unlikely to be associated with PPAP.

Literature cited by the submitters: PubMed 23263490 (cited by Labcorp Genetics (formerly Invitae), Labcorp); PubMed 23447401 (cited by Labcorp Genetics (formerly Invitae), Labcorp).